The following is an entry in ClinVar:

ClinVar aggregate classification (germline): Benign (1 of 4 stars; one submission).

Allele frequency attached by ClinVar (database versions not stated): gnomAD 0.07837 and 0.08218; TOPMed 0.08029; 1000 Genomes Project 30x 0.11087; 1000 Genomes Project 0.11422.
gnomAD v4.1: 12,548 of 152,244 alleles (8.2%); highest among the groups gnomAD compares: East Asian, 32%; 746 homozygotes.

Submission:

GeneDx
Classification: Benign. Last evaluated: 2018-06-14. Review status: criteria provided, single submitter. Criteria: GeneDx Variant Classification (06012015). Collection method: clinical testing. Allele origin: germline. Affected: yes.
Comment: This variant is considered likely benign or benign based on one or more of the following criteria: it is a conservative change, it occurs at a poorly conserved position in the protein, it is predicted to be benign by multiple in silico algorithms, and/or has population frequency not consistent with disease.

NM_018122.5(DARS2):c.294+215A>G

Gene: DARS2 (aspartyl-tRNA synthetase 2, mitochondrial; plus strand). Cytogenetic location: 1q25.1.
Variant type: single nucleotide variant.
Coding change: c.294+215A>G on transcript NM_018122.5 (MANE Select); 215 bases into the intron after coding-DNA position 294, A replaced by G.
Molecular consequence: intron variant.
Genome position (GRCh38, 1-based): chr1:173,828,614, A>G. VCF-style: chr1-173828614-A-G. GRCh37 (hg19) VCF-style: chr1-173797752-A-G.
Other names: c.294+215A>G (NM_001365212.1, NM_001365213.2).
Identifiers: ClinVar variation 683697 (VCV000683697.1), dbSNP rs75302147, ClinGen allele CA10851027.
Genomic context (GRCh38, chr1:173,828,614, plus strand): 5'-AGACCAGTGACCCAGTAGAATTAGGAACCCAGGATACGAACAAAAAATTTAGAGGAAAAA[A>G]ATATATAAATGGCTTGTAGACATAATGAAAGTATGCCCAGCCTCACTCATAGGTAGAGAA-3'